The following is an entry in ClinVar:

ClinVar aggregate classification (germline): Uncertain significance. Review status: criteria provided, multiple submitters, no conflicts (2 of 4 stars). 2 submissions from 2 submitters: Uncertain significance (2). Last evaluated 2025-06-25.

Conditions:
Inborn genetic diseases. Identifiers: MedGen C0950123, MeSH D030342.

Allele frequency attached by ClinVar (database versions not stated): gnomAD 0.00001; TOPMed 0.00001.
gnomAD v4.1: 50 of 1,614,062 alleles (0.0031%); highest among the groups gnomAD compares: Non-Finnish European, 0.0036%; no homozygotes.

Submissions (2):

Ambry Genetics
Classification: Uncertain significance for Inborn genetic diseases. Last evaluated: 2025-06-25. Review status: criteria provided, single submitter. Criteria: Ambry Variant Classification Scheme 2023. Collection method: clinical testing. Allele origin: germline.

Labcorp Genetics (formerly Invitae), Labcorp
Classification: Uncertain significance. Last evaluated: 2024-06-27. Review status: criteria provided, single submitter. Criteria: Invitae Variant Classification Sherloc (09022015). Collection method: clinical testing. Allele origin: germline.
Comment: This sequence change replaces isoleucine, which is neutral and non-polar, with threonine, which is neutral and polar, at codon 1135 of the SKIV2L protein (p.Ile1135Thr). This variant is present in population databases (no rsID available, gnomAD 0.004%). This variant has not been reported in the literature in individuals affected with SKIV2L-related conditions. ClinVar contains an entry for this variant (Variation ID: 1494160). An algorithm developed to predict the effect of missense changes on protein structure and function (PolyPhen-2) suggests that this variant¬†is likely to be tolerated. In summary, the available evidence is currently insufficient to determine the role of this variant in disease. Therefore, it has been classified as a Variant of Uncertain Significance.

NM_006929.5(SKIC2):c.3404T>C (p.Ile1135Thr)

Gene: SKIC2 (SKI2 subunit of superkiller complex; plus strand). Cytogenetic location: 6p21.33.
Variant type: single nucleotide variant.
Coding change: c.3404T>C on transcript NM_006929.5 (MANE Select); coding-DNA position 3404, T replaced by C.
Protein change: p.Ile1135Thr; replaces isoleucine 1135 with threonine.
Molecular consequence: missense variant.
Genome position (GRCh38, 1-based): chr6:31,969,284, T>C. VCF-style: chr6-31969284-T-C. GRCh37 (hg19) VCF-style: chr6-31937061-T-C.
Other names: c.3404T>C (NM_006929.4); short protein forms I1135T.
Identifiers: ClinVar variation 1494160 (VCV001494160.7), dbSNP rs765717865, ClinGen allele CA363489447.
Genomic context (GRCh38, chr6:31,969,284, plus strand): 5'-TCCTTCCCTGTCCTGGAGCAGGAAGGCAGGCCTTAACCTCTCCTTCTTTCCTGCAGGGAA[T>C]AGAACGTGTCCGGGCTGTGGCCAAGCGGATTGGTGAGGTCCAGGTGGCTTGTGGCCTGAA-3'
Protein context (NP_008860.4, residues 1125-1145): DQLPNTLKQG[Ile1135Thr]ERVRAVAKRI